The following is an entry in ClinVar:

ClinVar aggregate classification (germline): Uncertain significance (1 of 4 stars; one submission).

Submission:

Labcorp Genetics (formerly Invitae), Labcorp
Classification: Uncertain significance. Last evaluated: 2021-11-29. Review status: criteria provided, single submitter. Criteria: Invitae Variant Classification Sherloc (09022015). Collection method: clinical testing. Allele origin: germline.
Comment: This sequence change replaces arginine, which is basic and polar, with proline, which is neutral and non-polar, at codon 457 of the TONSL protein (p.Arg457Pro). This variant is present in population databases (rs772361735, gnomAD 0.02%). This variant has not been reported in the literature in individuals affected with TONSL-related conditions. Algorithms developed to predict the effect of missense changes on protein structure and function (SIFT, PolyPhen-2, Align-GVGD) all suggest that this variant is likely to be tolerated. In summary, the available evidence is currently insufficient to determine the role of this variant in disease. Therefore, it has been classified as a Variant of Uncertain Significance.

NM_013432.5(TONSL):c.1370G>C (p.Arg457Pro)

Gene: TONSL (tonsoku like, DNA repair protein; minus strand). Cytogenetic location: 8q24.3.
Variant type: single nucleotide variant.
Coding change: c.1370G>C on transcript NM_013432.5 (MANE Select); coding-DNA position 1370, G replaced by C.
Protein change: p.Arg457Pro; replaces arginine 457 with proline.
Molecular consequence: missense variant.
Genome position (GRCh38, 1-based): chr8:144,440,131, C>G on the plus strand (G>C on the coding strand, the complement: TONSL is on the minus strand). VCF-style: chr8-144440131-C-G. GRCh37 (hg19) VCF-style: chr8-145665514-C-G.
Other names: short protein forms R457P.
Identifiers: ClinVar variation 1388442 (VCV001388442.3), dbSNP rs772361735, ClinGen allele CA4943270.